The following is an entry in ClinVar:

NM_000257.4(MYH7):c.4828G>C (p.Glu1610Gln)

Genes: MHRT (myosin heavy chain associated RNA transcript; plus strand), MYH7 (myosin heavy chain 7; minus strand), LOC126861897 (BRD4-independent group 4 enhancer GRCh37_chr14:23884455-23885654; plus strand). Cytogenetic location: 14q11.2.
Variant type: single nucleotide variant.
Coding change: c.4828G>C on transcript NM_000257.4 (MANE Select); coding-DNA position 4828, G replaced by C.
Protein change: p.Glu1610Gln; replaces glutamic acid 1610 with glutamine.
Molecular consequence: missense variant. On other transcripts: non-coding transcript variant (1).
Genome position (GRCh38, 1-based): chr14:23,416,129, C>G on the plus strand (G>C on the coding strand, the complement: MYH7 is on the minus strand). VCF-style: chr14-23416129-C-G. GRCh37 (hg19) VCF-style: chr14-23885338-C-G.
Other names: p.E1610Q:GAG>CAG; c.4828G>C (LRG_384t1); short protein forms E1610Q.
Identifiers: ClinVar variation 181267 (VCV000181267.18), dbSNP rs730880810, ClinGen allele CA015373.

ClinVar aggregate classification (germline): Conflicting classifications of pathogenicity. Review status: criteria provided, conflicting classifications (1 of 4 stars). 7 submissions from 7 submitters: Likely pathogenic (1); Uncertain significance (6). Last evaluated 2025-08-11.

Conditions:
Cardiovascular phenotype. Identifiers: MedGen CN230736.
Hypertrophic cardiomyopathy 1 (CMH1). Also called: Familial hypertrophic cardiomyopathy 1; MYH7-Related Familial Hypertrophic Cardiomyopathy. Identifiers: MedGen C3495498, MONDO:0008647, OMIM 192600.
Myopathy, myosin storage, autosomal recessive (CMYO7B). Also called: CONGENITAL MYOPATHY 7B, MYOSIN STORAGE, AUTOSOMAL RECESSIVE. Identifiers: Orphanet 636970, MedGen C1850709, MONDO:0009708, OMIM 255160.
Myosin storage myopathy (CMYO7A). Also called: MYOPATHY WITH LYSIS OF TYPE I MYOFIBRILS; MYH7-related late-onset scapuloperoneal muscular dystrophy; Congenital myopathy 7A, myosin storage, autosomal dominant; MYOPATHY, HYALINE BODY, AUTOSOMAL DOMINANT; Scapuloperoneal myopathy, MYH7-related; SCAPULOPERONEAL MUSCULAR DYSTROPHY. Identifiers: Orphanet 437572, Orphanet 636965, MedGen C1842160, MONDO:0008409, OMIM 608358.
Dilated cardiomyopathy 1S (CMD1S). Identifiers: Orphanet 154, Orphanet 54260, MedGen C1834481, MONDO:0013262, OMIM 613426.
MYH7-related skeletal myopathy. Also called: Myopathy, distal, 1; Laing early-onset distal myopathy; MYOPATHY, DISTAL, EARLY-ONSET, AUTOSOMAL DOMINANT; MYOPATHY, LATE DISTAL HEREDITARY; Laing distal myopathy. Identifiers: Orphanet 59135, MedGen C4552004, MONDO:0008050, OMIM 160500.
Cardiomyopathy (CMYO). Also called: Cardiomyopathies. Identifiers: Orphanet 167848, MedGen C0878544, MONDO:0004994, HP:0001638. Inheritance: Various modes of inheritance.
Hypertrophic cardiomyopathy. Also called: HYPERTROPHIC MYOCARDIOPATHY. Identifiers: Orphanet 217569, MedGen C0007194, MeSH D002312, MONDO:0005045, HP:0001639.

Allele frequency attached by ClinVar (database versions not stated): TOPMed below 0.00001.
gnomAD v4.1: 10 of 1,614,200 alleles (0.00062%); highest among the groups gnomAD compares: Non-Finnish European, 0.00085%; no homozygotes.

Submissions (7):

Labcorp Genetics (formerly Invitae), Labcorp
Classification: Uncertain significance for Hypertrophic cardiomyopathy. Last evaluated: 2025-08-11. Review status: criteria provided, single submitter. Criteria: Invitae Variant Classification Sherloc (09022015). Collection method: clinical testing. Allele origin: germline.
Comment: This sequence change replaces glutamic acid, which is acidic and polar, with glutamine, which is neutral and polar, at codon 1610 of the MYH7 protein (p.Glu1610Gln). This variant is not present in population databases (gnomAD no frequency). This missense change has been observed in individual(s) with clinical features of dilated cardiomyopathy (PMID: 26406308, 29892087). ClinVar contains an entry for this variant (Variation ID: 181267). Invitae Evidence Modeling of protein sequence and biophysical properties (such as structural, functional, and spatial information, amino acid conservation, physicochemical variation, residue mobility, and thermodynamic stability) indicates that this missense variant is expected to disrupt MYH7 protein function with a positive predictive value of 95%. In summary, the available evidence is currently insufficient to determine the role of this variant in disease. Therefore, it has been classified as a Variant of Uncertain Significance.

Ambry Genetics
Classification: Uncertain significance for Cardiovascular phenotype. Last evaluated: 2024-11-27. Review status: criteria provided, single submitter. Criteria: Ambry Variant Classification Scheme 2023. Collection method: clinical testing. Allele origin: germline.
Comment: The p.E1610Q variant (also known as c.4828G>C), located in coding exon 32 of the MYH7 gene, results from a G to C substitution at nucleotide position 4828. The glutamic acid at codon 1610 is replaced by glutamine, an amino acid with highly similar properties. This alteration has been reported in a dilated cardiomyopathy (DCM) cohort (Marston S et al. PLoS One, 2015 Sep;10:e0138568). This amino acid position is well conserved in available vertebrate species. In addition, the in silico prediction for this alteration is inconclusive. Since supporting evidence is limited at this time, the clinical significance of this alteration remains unclear.

All of Us Research Program, National Institutes of Health
Classification: Uncertain significance for Cardiomyopathy. Last evaluated: 2024-07-20. Review status: criteria provided, single submitter. Criteria: ACMG Guidelines, 2015. Collection method: clinical testing. Allele origin: germline. Inheritance: Autosomal dominant inheritance. Observed: 1 variant allele, 1 heterozygote.
Comment: This missense variant replaces glutamic acid with glutamine at codon 1610 of the MYH7 protein. Computational prediction tools indicate that this variant has a deleterious impact on protein structure and function. To our knowledge, functional studies have not been reported for this variant. This variant has been reported in one family affected with dilated cardiomyopathy, and segregated with disease in multiple affected individuals (PMID: 26406308, 29892087). This variant has not been identified in the general population by the Genome Aggregation Database (gnomAD). The available evidence is insufficient to determine the role of this variant in disease conclusively. Therefore, this variant is classified as a Variant of Uncertain Significance.

This study involves interpretation of variants in research participants for the purpose of population health screening. Participant phenotype was not available at the time of variant classification. Additional details can be found in publication PMID: 35346344, PMCID: PMC8962531

Color Diagnostics, LLC DBA Color Health
Classification: Uncertain significance for Cardiomyopathy. Last evaluated: 2024-07-03. Review status: criteria provided, single submitter. Criteria: ACMG Guidelines, 2015. Collection method: clinical testing. Allele origin: germline.
Comment: This missense variant replaces glutamic acid with glutamine at codon 1610 of the MYH7 protein. Computational prediction tools indicate that this variant has a deleterious impact on protein structure and function. To our knowledge, functional studies have not been reported for this variant. This variant has been reported in one family affected with dilated cardiomyopathy, and segregated with disease in multiple affected individuals (PMID: 26406308, 29892087). This variant has not been identified in the general population by the Genome Aggregation Database (gnomAD). The available evidence is insufficient to determine the role of this variant in disease conclusively. Therefore, this variant is classified as a Variant of Uncertain Significance.

Fulgent Genetics
Classification: Uncertain significance for MYH7-related skeletal myopathy; Hypertrophic cardiomyopathy 1; Myopathy, myosin storage, autosomal recessive; Myosin storage myopathy; Dilated cardiomyopathy 1S. Last evaluated: 2024-05-02. Review status: criteria provided, single submitter. Criteria: ACMG Guidelines, 2015. Collection method: clinical testing. Allele origin: germline.

CHEO Genetics Diagnostic Laboratory, Children's Hospital of Eastern Ontario
Classification: Uncertain significance for Cardiomyopathy. Last evaluated: 2021-07-20. Review status: criteria provided, single submitter. Criteria: ACMG Guidelines, 2015. Collection method: clinical testing. Allele origin: germline.

GeneDx
Classification: Likely pathogenic. Last evaluated: 2012-12-04. Review status: criteria provided, single submitter. Criteria: GeneDx Variant Classification (06012015). Collection method: clinical testing. Allele origin: germline. Affected: yes.
Comment: p.Glu1610Gln (GAG>CAG): c.4828 G>C in exon 34 of the MYH7 gene (NM_000257.2). The Glu1610Gln variant in the MYH7 gene has not been reported as a disease-causing mutation or as a benign polymorphism to our knowledge. Glu1610Gln results in a semi-conservative amino acid substitution of a negatively charged Glutamic acid with a neutral, polar Glutamine at a position that is conserved across species. In silico analysis predicts Glu1610Gln is probably damaging to the protein structure/function. The NHLBI ESP Exome Variant Server reports Glu1610Gln was not observed in approximately 6,000 samples from individuals of European and African American backgrounds, indicating it is not a common benign variant in these populations. Nevertheless, no mutations in nearby codons have been reported in association with cardiomyopathy, indicating this region of the protein may be tolerant of change. In summary, while Glu1610Gln is a good candidate for a disease-causing mutation, with the clinical and molecular information available at this time we cannot unequivocally determine the clinical significance of this variant. The variant is found in DCM panel(s).

Literature cited by the submitters: PubMed 26406308 (cited by 4 submitters); PubMed 29892087 (cited by 3 submitters).